The following is an entry in ClinVar:

NM_002474.3(MYH11):c.763T>C (p.Tyr255His)

Gene: MYH11 (myosin heavy chain 11; minus strand). Cytogenetic location: 16p13.11.
Variant type: single nucleotide variant.
Coding change: c.763T>C on transcript NM_002474.3 (MANE Select); coding-DNA position 763, T replaced by C.
Protein change: p.Tyr255His; replaces tyrosine 255 with histidine.
Molecular consequence: missense variant.
Genome position (GRCh38, 1-based): chr16:15,778,807, A>G on the plus strand (T>C on the coding strand, the complement: MYH11 is on the minus strand). VCF-style: chr16-15778807-A-G. GRCh37 (hg19) VCF-style: chr16-15872664-A-G.
Other names: c.784T>C, p.Tyr262His (NM_001040113.2, NM_001040114.2); c.763T>C, p.Tyr255His (NM_022844.3); short protein forms Y262H, Y255H.
Identifiers: ClinVar variation 4745970 (VCV004745970.1).

ClinVar aggregate classification (germline): Uncertain significance (1 of 4 stars; one submission).

Conditions:
Aortic aneurysm, familial thoracic 4 (AAT4). Also called: AORTIC ANEURYSM/AORTIC DISSECTION AND PATENT DUCTUS ARTERIOSUS. Identifiers: MedGen C1851504, MONDO:0007568, OMIM 132900.

Submission:

Labcorp Genetics (formerly Invitae), Labcorp
Classification: Uncertain significance for Aortic aneurysm, familial thoracic 4. Last evaluated: 2025-10-08. Review status: criteria provided, single submitter. Criteria: Invitae Variant Classification Sherloc (09022015). Collection method: clinical testing. Allele origin: germline.
Comment: This sequence change replaces tyrosine, which is neutral and polar, with histidine, which is basic and polar, at codon 262 of the MYH11 protein (p.Tyr262His). This variant is not present in population databases (gnomAD no frequency). This variant has not been reported in the literature in individuals affected with MYH11-related conditions. Invitae Evidence Modeling of protein sequence and biophysical properties (such as structural, functional, and spatial information, amino acid conservation, physicochemical variation, residue mobility, and thermodynamic stability) indicates that this missense variant is not expected to disrupt MYH11 protein function with a negative predictive value of 95%. In summary, the available evidence is currently insufficient to determine the role of this variant in disease. Therefore, it has been classified as a Variant of Uncertain Significance.